The following is an entry in ClinVar:

NM_001077365.2(POMT1):c.2050T>C (p.Tyr684His)

Gene: POMT1 (protein O-mannosyltransferase 1; plus strand). Cytogenetic location: 9q34.13.
Variant type: single nucleotide variant.
Coding change: c.2050T>C on transcript NM_001077365.2 (MANE Select); coding-DNA position 2050, T replaced by C.
Protein change: p.Tyr684His; replaces tyrosine 684 with histidine.
Molecular consequence: missense variant. On other transcripts: non-coding transcript variant (10).
Genome position (GRCh38, 1-based): chr9:131,522,978, T>C. VCF-style: chr9-131522978-T-C. GRCh37 (hg19) VCF-style: chr9-134398365-T-C.
Other names: c.1888T>C, p.Tyr630His (NM_001077366.2, NM_001353194.2); c.2050T>C, p.Tyr684His (NM_001136113.2); c.1699T>C, p.Tyr567His (NM_001136114.2, NM_001353195.2, NM_001374691.1 and 2 more transcripts); c.2116T>C, p.Tyr706His (NM_001353193.2, NM_007171.4); c.1960T>C, p.Tyr654His (NM_001353196.2); c.1954T>C, p.Tyr652His (NM_001353197.2, NM_001353198.2); c.1765T>C, p.Tyr589His (NM_001353199.2); c.1594T>C, p.Tyr532His (NM_001353200.2); and 3 more; short protein forms Y532H, Y567H, Y684H, Y554H, Y589H, Y630H, Y680H, Y611H.
Identifiers: ClinVar variation 954786 (VCV000954786.2), dbSNP rs113633543, ClinGen allele CA200798287.

ClinVar aggregate classification (germline): Uncertain significance. Review status: criteria provided, multiple submitters, no conflicts (2 of 4 stars). 2 submissions from 2 submitters: Uncertain significance (2). Last evaluated 2022-11-07.

Conditions:
Autosomal recessive limb-girdle muscular dystrophy type 2K. Also called: MUSCULAR DYSTROPHY-DYSTROGLYCANOPATHY (LIMB-GIRDLE), TYPE C, 1; MUSCULAR DYSTROPHY, LIMB-GIRDLE, TYPE 2K. Identifiers: Orphanet 86812, MedGen C1836373, MONDO:0012248, OMIM 609308.
Walker-Warburg congenital muscular dystrophy. Also called: Muscular dystrophy-dystroglycanopathy, type A; Walker-Warburg syndrome. Identifiers: Orphanet 899, MedGen C0265221, MONDO:0000171.
Muscular dystrophy-dystroglycanopathy (congenital with impaired intellectual development), type B, 1. Also called: Muscular dystrophy-dystroglycanopathy (congenital with intellectual disability), type B1; MUSCULAR DYSTROPHY, CONGENITAL, POMT1-RELATED. Identifiers: MedGen C5436962, MONDO:0013159, OMIM 613155.

Submissions (2):

Athena Diagnostics
Classification: Uncertain significance. Last evaluated: 2022-11-07. Review status: criteria provided, single submitter. Criteria: Athena Diagnostics Criteria. Collection method: clinical testing. Allele origin: unknown.
Comment: Available data are insufficient to determine the clinical significance of the variant at this time. This variant has not been reported in large, multi-ethnic general populations. Computational tools predict that this variant is not damaging.

Labcorp Genetics (formerly Invitae), Labcorp
Classification: Uncertain significance for Congenital muscular dystrophy-dystroglycanopathy with mental retardation, type B1; Walker-Warburg congenital muscular dystrophy; Limb-girdle muscular dystrophy-dystroglycanopathy, type C1. Last evaluated: 2019-09-05. Review status: criteria provided, single submitter. Criteria: Invitae Variant Classification Sherloc (09022015). Collection method: clinical testing. Allele origin: germline.
Comment: This sequence change replaces tyrosine with histidine at codon 706 of the POMT1 protein (p.Tyr706His). The tyrosine residue is weakly conserved and there is a moderate physicochemical difference between tyrosine and histidine. This variant is not present in population databases (ExAC no frequency). This variant has not been reported in the literature in individuals with POMT1-related conditions. Algorithms developed to predict the effect of missense changes on protein structure and function are either unavailable or do not agree on the potential impact of this missense change (SIFT: "Tolerated"; PolyPhen-2: "Possibly Damaging"; Align-GVGD: "Class C0"). In summary, the available evidence is currently insufficient to determine the role of this variant in disease. Therefore, it has been classified as a Variant of Uncertain Significance.